The following is an entry in ClinVar:

ClinVar aggregate classification (germline): Uncertain significance. Review status: criteria provided, multiple submitters, no conflicts (2 of 4 stars). 2 submissions from 2 submitters: Uncertain significance (2). Last evaluated 2025-11-10.

Allele frequency attached by ClinVar (database versions not stated): ExAC 0.00001; gnomAD exomes 0.00001 and 0.00002; gnomAD 0.00006 and 0.00007; TOPMed 0.00009.

Submissions (2):

Labcorp Genetics (formerly Invitae), Labcorp
Classification: Uncertain significance. Last evaluated: 2025-11-10. Review status: criteria provided, single submitter. Criteria: Invitae Variant Classification Sherloc (09022015). Collection method: clinical testing. Allele origin: germline.
Comment: This sequence change replaces arginine, which is basic and polar, with tryptophan, which is neutral and slightly polar, at codon 1186 of the RUSC2 protein (p.Arg1186Trp). This variant is present in population databases (rs749469795, gnomAD 0.02%). This variant has not been reported in the literature in individuals affected with RUSC2-related conditions. ClinVar contains an entry for this variant (Variation ID: 1419176). An algorithm developed to predict the effect of missense changes on protein structure and function (PolyPhen-2) suggests that this variant is likely to be disruptive. In summary, the available evidence is currently insufficient to determine the role of this variant in disease. Therefore, it has been classified as a Variant of Uncertain Significance.

Ambry Genetics
Classification: Uncertain significance. Last evaluated: 2025-06-03. Review status: criteria provided, single submitter. Criteria: Ambry Variant Classification Scheme 2023. Collection method: clinical testing. Allele origin: germline.

NM_014806.5(RUSC2):c.3556C>T (p.Arg1186Trp)

Gene: RUSC2 (RUN and SH3 domain containing 2; plus strand). Cytogenetic location: 9p13.3.
Variant type: single nucleotide variant.
Coding change: c.3556C>T on transcript NM_014806.5 (MANE Select); coding-DNA position 3556, C replaced by T.
Protein change: p.Arg1186Trp; replaces arginine 1186 with tryptophan.
Molecular consequence: missense variant. On other transcripts: non-coding transcript variant (1).
Genome position (GRCh38, 1-based): chr9:35,560,196, C>T. VCF-style: chr9-35560196-C-T. GRCh37 (hg19) VCF-style: chr9-35560193-C-T.
Other names: c.3556C>T (NM_001135999.1); c.3556C>T, p.Arg1186Trp (NM_001135999.2); c.922C>T, p.Arg308Trp (NM_001330740.2); short protein forms R1186W, R308W.
Identifiers: ClinVar variation 1419176 (VCV001419176.8), dbSNP rs749469795, ClinGen allele CA5044185.